The following is an entry in ClinVar:

ClinVar aggregate classification (germline): Uncertain significance (1 of 4 stars; one submission).

Conditions:
Hereditary cancer-predisposing syndrome. Also called: Hereditary Cancer Syndrome; Neoplastic Syndromes, Hereditary; Tumor predisposition; Hereditary neoplastic syndrome. Identifiers: Orphanet 140162, MedGen C0027672, MeSH D009386, MONDO:0015356.

Submission:

Ambry Genetics
Classification: Uncertain significance for Hereditary cancer-predisposing syndrome. Last evaluated: 2021-02-19. Review status: criteria provided, single submitter. Criteria: Ambry Variant Classification Scheme 2023. Collection method: clinical testing. Allele origin: germline.
Comment: The p.E400K variant (also known as c.1198G>A), located in coding exon 4 of the PALB2 gene, results from a G to A substitution at nucleotide position 1198. The glutamic acid at codon 400 is replaced by lysine, an amino acid with similar properties. This amino acid position is well conserved in available vertebrate species. In addition, this alteration is predicted to be tolerated by in silico analysis. Since supporting evidence is limited at this time, the clinical significance of this alteration remains unclear.

NM_024675.4(PALB2):c.1198G>A (p.Glu400Lys)

Gene: PALB2 (partner and localizer of BRCA2; minus strand). Cytogenetic location: 16p12.2.
Variant type: single nucleotide variant.
Coding change: c.1198G>A on transcript NM_024675.4 (MANE Select); coding-DNA position 1198, G replaced by A.
Protein change: p.Glu400Lys; replaces glutamic acid 400 with lysine.
Molecular consequence: missense variant.
Genome position (GRCh38, 1-based): chr16:23,635,348, C>T on the plus strand (G>A on the coding strand, the complement: PALB2 is on the minus strand). VCF-style: chr16-23635348-C-T. GRCh37 (hg19) VCF-style: chr16-23646669-C-T.
Other names: c.1138G>A, p.Glu380Lys (NM_001407296.1); c.1198G>A, p.Glu400Lys (NM_001407297.1, NM_001407298.1, NM_001407299.1 and 3 more transcripts); c.313G>A, p.Glu105Lys (NM_001407304.1, NM_001407305.1, NM_001407306.1 and 5 more transcripts); short protein forms E105K, E380K, E400K.
Identifiers: ClinVar variation 1746562 (VCV001746562.2), dbSNP rs2142422984, ClinGen allele CA395133254.